The following is an entry in ClinVar:

NM_194279.4(ISCA2):c.29C>T (p.Thr10Met)

Genes: ISCA2 (iron-sulfur cluster assembly 2; plus strand), LOC130056095 (ATAC-STARR-seq lymphoblastoid active region 8728; plus strand). Cytogenetic location: 14q24.3.
Variant type: single nucleotide variant.
Coding change: c.29C>T on transcript NM_194279.4 (MANE Select); coding-DNA position 29, C replaced by T.
Protein change: p.Thr10Met; replaces threonine 10 with methionine.
Molecular consequence: missense variant.
Genome position (GRCh38, 1-based): chr14:74,493,803, C>T. VCF-style: chr14-74493803-C-T. GRCh37 (hg19) VCF-style: chr14-74960506-C-T.
Other names: c.29C>T, p.Thr10Met (NM_001272007.2); short protein forms T10M.
Identifiers: ClinVar variation 1475543 (VCV001475543.6), dbSNP rs919184603, ClinGen allele CA263573433.

ClinVar aggregate classification (germline): Uncertain significance (1 of 4 stars; one submission).

Allele frequency attached by ClinVar (database versions not stated): gnomAD exomes 0.00001.
gnomAD v4.1: 9 of 1,539,690 alleles (0.00058%); highest among the groups gnomAD compares: Non-Finnish European, 0.00079%; no homozygotes.

Submission:

Labcorp Genetics (formerly Invitae), Labcorp
Classification: Uncertain significance. Last evaluated: 2021-08-23. Review status: criteria provided, single submitter. Criteria: Invitae Variant Classification Sherloc (09022015). Collection method: clinical testing. Allele origin: germline.
Comment: This sequence change replaces threonine with methionine at codon 10 of the ISCA2 protein (p.Thr10Met). The threonine residue is moderately conserved and there is a moderate physicochemical difference between threonine and methionine. This variant is not present in population databases (ExAC no frequency). This variant has not been reported in the literature in individuals affected with ISCA2-related conditions. Algorithms developed to predict the effect of missense changes on protein structure and function are either unavailable or do not agree on the potential impact of this missense change (SIFT: "Deleterious"; PolyPhen-2: "Benign"; Align-GVGD: "Class C0"). In summary, the available evidence is currently insufficient to determine the role of this variant in disease. Therefore, it has been classified as a Variant of Uncertain Significance.